The following is an entry in ClinVar:

ClinVar aggregate classification (germline): Uncertain significance (1 of 4 stars; one submission).

Conditions:
Microcephaly 16, primary, autosomal recessive (MCPH16). Identifiers: Orphanet 2512, MedGen C4225249, MONDO:0014730, OMIM 616681.

Submission:

Department of Medical Genetics, Sanjay Gandhi Post Graduate Institute of Medical Sciences
Classification: Uncertain significance for Microcephaly 16, primary, autosomal recessive. Review status: criteria provided, single submitter. Criteria: ACMG Guidelines, 2015. Collection method: clinical testing. Allele origin: germline. Inheritance: Autosomal recessive inheritance. Affected: yes. Observed: 1 homozygote.
Comment: The variant c.1202A>G is predicted as disease causing by Insilico prediction tools (MutationTaster, PolyPhen2, Provean and SIFT). The variant c.1202A>G is absent from population databases (ExAC, 1000G, gnomAD and in-house data of 727 exome).

NM_015114.3(ANKLE2):c.1202A>G (p.Asp401Gly)

Gene: ANKLE2 (ankyrin repeat and LEM domain containing 2; minus strand). Cytogenetic location: 12q24.33.
Variant type: single nucleotide variant.
Coding change: c.1202A>G on transcript NM_015114.3 (MANE Select); coding-DNA position 1202, A replaced by G.
Protein change: p.Asp401Gly; replaces aspartic acid 401 with glycine.
Molecular consequence: missense variant.
Genome position (GRCh38, 1-based): chr12:132,747,860, T>C on the plus strand (A>G on the coding strand, the complement: ANKLE2 is on the minus strand). VCF-style: chr12-132747860-T-C. GRCh37 (hg19) VCF-style: chr12-133324446-T-C.
Other names: short protein forms D401G.
Identifiers: ClinVar variation 1312496 (VCV001312496.2), dbSNP rs2136158180, ClinGen allele CA387357148.